The following is an entry in ClinVar:

ClinVar aggregate classification (germline): Uncertain significance (1 of 4 stars; one submission).

Conditions:
Hereditary pancreatitis (PCTT). Also called: Hereditary chronic pancreatitis; PRSS1-Related Hereditary Pancreatitis. Identifiers: Orphanet 676, MedGen C0238339, MONDO:0008185, OMIM 167800.

Allele frequency attached by ClinVar (database versions not stated): gnomAD exomes below 0.00001; gnomAD 0.00001.
gnomAD v4.1: 2 of 1,613,254 alleles (0.00012%); highest among the groups gnomAD compares: South Asian, 0.0011%; no homozygotes.

Submission:

Ambry Genetics
Classification: Uncertain significance for Hereditary pancreatitis. Last evaluated: 2019-09-17. Review status: criteria provided, single submitter. Criteria: Ambry Variant Classification Scheme 2023. Collection method: clinical testing. Allele origin: germline.
Comment: The p.Q198E variant (also known as c.592C>G), located in coding exon 6 of the CPA1 gene, results from a C to G substitution at nucleotide position 592. The glutamine at codon 198 is replaced by glutamic acid, an amino acid with highly similar properties. This amino acid position is poorly conserved in available vertebrate species. In addition, this alteration is predicted to be tolerated by in silico analysis. Since supporting evidence is limited at this time, the clinical significance of this alteration remains unclear.

NM_001868.4(CPA1):c.592C>G (p.Gln198Glu)

Gene: CPA1 (carboxypeptidase A1; plus strand). Cytogenetic location: 7q32.2.
Variant type: single nucleotide variant.
Coding change: c.592C>G on transcript NM_001868.4 (MANE Select); coding-DNA position 592, C replaced by G.
Protein change: p.Gln198Glu; replaces glutamine 198 with glutamic acid.
Molecular consequence: missense variant.
Genome position (GRCh38, 1-based): chr7:130,383,690, C>G. VCF-style: chr7-130383690-C-G. GRCh37 (hg19) VCF-style: chr7-130023531-C-G.
Other names: short protein forms Q198E.
Identifiers: ClinVar variation 1750543 (VCV001750543.2), dbSNP rs1796435985, ClinGen allele CA369282618.